The following is an entry in ClinVar:

NM_001146.5(ANGPT1):c.399_400dup (p.Leu134fs)

Gene: ANGPT1 (angiopoietin 1; minus strand). Cytogenetic location: 8q23.1.
Variant type: Duplication.
Coding change: c.399_400dup on transcript NM_001146.5 (MANE Select); coding-DNA positions 399 to 400, 2 bases duplicated (CC; older notation c.399_400dupCC).
Protein change: p.Leu134fs; shifts the reading frame from leucine 134.
Molecular consequence: frameshift variant.
Genome position (GRCh38, 1-based): chr8:107,346,995-107,346,996, GG duplicated on the plus strand (CC on the coding strand, the reverse complement: ANGPT1 is on the minus strand). VCF-style (leftmost placement, unchanged base first): chr8-107346994-A-AGG. GRCh37 (hg19) VCF-style: chr8-108359222-A-AGG.
Other names: c.399_400dup, p.Leu134fs (NM_001199859.3); short protein forms L134fs.
Identifiers: ClinVar variation 1997051 (VCV001997051.4), dbSNP rs2488305709, ClinGen allele CA2580078523.

ClinVar aggregate classification (germline): Uncertain significance (1 of 4 stars; one submission).

Submission:

Labcorp Genetics (formerly Invitae), Labcorp
Classification: Uncertain significance. Last evaluated: 2022-09-19. Review status: criteria provided, single submitter. Criteria: Invitae Variant Classification Sherloc (09022015). Collection method: clinical testing. Allele origin: germline.
Comment: In summary, the available evidence is currently insufficient to determine the role of this variant in disease. Therefore, it has been classified as a Variant of Uncertain Significance. This variant has not been reported in the literature in individuals affected with ANGPT1-related conditions. This variant is not present in population databases (gnomAD no frequency). This sequence change creates a premature translational stop signal (p.Leu134Profs*13) in the ANGPT1 gene. It is expected to result in an absent or disrupted protein product. However, the current clinical and genetic evidence is not sufficient to establish whether loss-of-function variants in ANGPT1 cause disease.